The following is an entry in ClinVar:

ClinVar aggregate classification (germline): Uncertain significance (1 of 4 stars; one submission).

Allele frequency attached by ClinVar (database versions not stated): ExAC 0.00022; gnomAD 0.00053; ESP Exome Variant Server 0.00055; TOPMed 0.00069; 1000 Genomes Project 0.00100; 1000 Genomes Project 30x 0.00141.
gnomAD v4.1: 146 of 1,614,170 alleles (0.009%); highest among the groups gnomAD compares: African/African-American, 0.15%; no homozygotes.

Submission:

Ambry Genetics
Classification: Uncertain significance. Last evaluated: 2024-09-30. Review status: criteria provided, single submitter. Criteria: Ambry Variant Classification Scheme 2023. Collection method: clinical testing. Allele origin: germline.
Comment: The p.P190T variant (also known as c.568C>A), located in coding exon 3 of the ALPK2 gene, results from a C to A substitution at nucleotide position 568. The proline at codon 190 is replaced by threonine, an amino acid with highly similar properties. This amino acid position is conserved. In addition, this alteration is predicted to be tolerated by in silico analysis. Since supporting evidence is limited at this time, the clinical significance of this alteration remains unclear.

NM_052947.4(ALPK2):c.568C>A (p.Pro190Thr)

Gene: ALPK2 (alpha kinase 2; minus strand). Cytogenetic location: 18q21.31.
Variant type: single nucleotide variant.
Coding change: c.568C>A on transcript NM_052947.4 (MANE Select); coding-DNA position 568, C replaced by A.
Protein change: p.Pro190Thr; replaces proline 190 with threonine.
Molecular consequence: missense variant.
Genome position (GRCh38, 1-based): chr18:58,580,208, G>T on the plus strand (C>A on the coding strand, the complement: ALPK2 is on the minus strand). VCF-style: chr18-58580208-G-T. GRCh37 (hg19) VCF-style: chr18-56247440-G-T.
Other names: short protein forms P190T.
Identifiers: ClinVar variation 1749064 (VCV001749064.3), dbSNP rs201939861, ClinGen allele CA8977423.